The following is an entry in ClinVar:

ClinVar aggregate classification (germline): Uncertain significance (1 of 4 stars; one submission).

Submission:

GeneDx
Classification: Uncertain significance. Last evaluated: 2024-12-20. Review status: criteria provided, single submitter. Criteria: GeneDx Variant Classification Process June 2021. Collection method: clinical testing. Allele origin: germline. Affected: yes.
Comment: Not observed at significant frequency in large population cohorts (gnomAD); In-frame insertion of 7 amino acid(s) in a non-repeat region; Has not been previously published as pathogenic or benign to our knowledge

NM_138927.4(SON):c.5931delinsGAGCCGCACCCCCAGCCGCCGG (p.Arg1998_Arg1999insSerArgThrProSerArgArg)

Gene: SON (SON DNA and RNA binding protein; plus strand). Cytogenetic location: 21q22.11.
Variant type: Indel.
Coding change: c.5931delinsGAGCCGCACCCCCAGCCGCCGG on transcript NM_138927.4 (MANE Select); coding-DNA position 5931, C replaced by GAGCCGCACCCCCAGCCGCCGG.
Protein change: p.Arg1998_Arg1999insSerArgThrProSerArgArg.
Molecular consequence: non-coding transcript variant (on NR_103797.2). On other transcripts: intron variant (1).
Genome position (GRCh38, 1-based): chr21:33,555,162, C replaced by GAGCCGCACCCCCAGCCGCCGG. VCF-style: chr21-33555162-C-GAGCCGCACCCCCAGCCGCCGG. GRCh37 (hg19) VCF-style: chr21-34927468-C-GAGCCGCACCCCCAGCCGCCGG.
Other names: c.5931delinsGAGCCGCACCCCCAGCCGCCGG, p.Arg1998_Arg1999insSerArgThrProSerArgArg (NM_001291411.2, NM_032195.3); c.245-1994delinsGAGCCGCACCCCCAGCCGCCGG (NM_001291412.3).
Identifiers: ClinVar variation 3906334 (VCV003906334.1).